The following is an entry in ClinVar:

NM_001904.4(CTNNB1):c.1874A>G (p.Lys625Arg)

Gene: CTNNB1 (catenin beta 1; plus strand). Cytogenetic location: 3p22.1.
Variant type: single nucleotide variant.
Coding change: c.1874A>G on transcript NM_001904.4 (MANE Select); coding-DNA position 1874, A replaced by G.
Protein change: p.Lys625Arg; replaces lysine 625 with arginine.
Molecular consequence: missense variant.
Genome position (GRCh38, 1-based): chr3:41,236,419, A>G. VCF-style: chr3-41236419-A-G. GRCh37 (hg19) VCF-style: chr3-41277910-A-G.
Other names: c.1874A>G, p.Lys625Arg (NM_001098209.2, NM_001098210.2); c.1853A>G, p.Lys618Arg (NM_001330729.2); short protein forms K618R, K625R.
Identifiers: ClinVar variation 1361626 (VCV001361626.6), dbSNP rs1174315329, ClinGen allele CA352236222.

ClinVar aggregate classification (germline): Uncertain significance (1 of 4 stars; one submission).

Allele frequency attached by ClinVar (database versions not stated): gnomAD exomes below 0.00001 and 0.00001.
gnomAD v4.1: 4 of 1,614,214 alleles (0.00025%); highest among the groups gnomAD compares: Non-Finnish European, 0.00025%; no homozygotes.

Submission:

Labcorp Genetics (formerly Invitae), Labcorp
Classification: Uncertain significance. Last evaluated: 2022-07-26. Review status: criteria provided, single submitter. Criteria: Invitae Variant Classification Sherloc (09022015). Collection method: clinical testing. Allele origin: germline.
Comment: This sequence change replaces lysine, which is basic and polar, with arginine, which is basic and polar, at codon 625 of the CTNNB1 protein (p.Lys625Arg). This variant is present in population databases (no rsID available, gnomAD 0.0009%). This variant has not been reported in the literature in individuals affected with CTNNB1-related conditions. ClinVar contains an entry for this variant (Variation ID: 1361626). Algorithms developed to predict the effect of missense changes on protein structure and function (SIFT, PolyPhen-2, Align-GVGD) all suggest that this variant is likely to be tolerated. In summary, the available evidence is currently insufficient to determine the role of this variant in disease. Therefore, it has been classified as a Variant of Uncertain Significance.